The following is an entry in ClinVar:

NM_000540.3(RYR1):c.9685A>G (p.Ile3229Val)

Gene: RYR1 (ryanodine receptor 1; plus strand). Cytogenetic location: 19q13.2.
Variant type: single nucleotide variant.
Coding change: c.9685A>G on transcript NM_000540.3 (MANE Select); coding-DNA position 9685, A replaced by G.
Protein change: p.Ile3229Val; replaces isoleucine 3229 with valine.
Molecular consequence: missense variant.
Genome position (GRCh38, 1-based): chr19:38,516,217, A>G. VCF-style: chr19-38516217-A-G. GRCh37 (hg19) VCF-style: chr19-39006857-A-G.
Other names: c.9685A>G, p.Ile3229Val (NM_001042723.2); short protein forms I3229V.
Identifiers: ClinVar variation 590637 (VCV000590637.10), dbSNP rs1449733977, ClinGen allele CA405691013.

ClinVar aggregate classification (germline): Uncertain significance. Review status: criteria provided, multiple submitters, no conflicts (2 of 4 stars). 8 submissions from 6 submitters: Uncertain significance (8). Last evaluated 2025-06-24.

Conditions:
Congenital multicore myopathy with external ophthalmoplegia (CMYO1B). Also called: MULTIMINICORE DISEASE WITH EXTERNAL OPHTHALMOPLEGIA; Congenital myopathy 1B, autosomal recessive; Minicore myopathy; Minicore myopathy with external ophthalmoplegia; MULTICORE MYOPATHY. Identifiers: Orphanet 598, Orphanet 98905, MedGen C1850674, MONDO:0009712, OMIM 255320, HP:0003789.
Central core myopathy (CMYO1A). Also called: CONGENITAL MYOPATHY 1A, AUTOSOMAL DOMINANT, WITH SUSCEPTIBILITY TO MALIGNANT HYPERTHERMIA; Central core disease; Myopathy, central fibrillar. Identifiers: Orphanet 597, MedGen C5830701, MONDO:0007294, OMIM 117000.
Malignant hyperthermia, susceptibility to, 1 (MHS1). Also called: Malignant hyperthermia suceptibility 1; Anesthesia related hyperthermia; Malignant hyperpyrexia; Fulminating hyperpyrexia; Pharmacogenic myopathy; RYR1-Related Malignant Hyperthermia Susceptibility. Identifiers: Orphanet 423, MedGen C2930980, MONDO:0007783, OMIM 145600.

Allele frequency attached by ClinVar (database versions not stated): gnomAD 0.00001; gnomAD exomes 0.00001; TOPMed 0.00002.
gnomAD v4.1: 22 of 1,586,482 alleles (0.0014%); highest among the groups gnomAD compares: Middle Eastern, 0.05%; no homozygotes.

Submissions (8):

Color Diagnostics, LLC DBA Color Health
Classification: Uncertain significance for Malignant hyperthermia, susceptibility to, 1. Last evaluated: 2025-06-24. Review status: criteria provided, single submitter. Criteria: ACMG Guidelines, 2015. Collection method: clinical testing. Allele origin: germline.
Comment: This missense variant replaces isoleucine with valine at codon 3229 of the RYR1 protein. Computational prediction suggests that this variant may not impact protein structure and function. To our knowledge, functional studies have not been reported for this variant. This variant has not been reported in individuals affected with RYR1-related disorders in the literature. This variant has been identified in 3/203334 chromosomes in the general population by the Genome Aggregation Database (gnomAD). The available evidence is insufficient to determine the role of this variant in disease conclusively. Therefore, this variant is classified as a Variant of Uncertain Significance.

All of Us Research Program, National Institutes of Health
Classification: Uncertain significance for Malignant hyperthermia, susceptibility to, 1. Last evaluated: 2023-11-30. Review status: criteria provided, single submitter. Criteria: ACMG Guidelines, 2015. Collection method: clinical testing. Allele origin: germline. Inheritance: Autosomal dominant inheritance. Observed: 5 variant alleles, 5 heterozygotes.
Comment: This missense variant replaces isoleucine with valine at codon 3229 of the RYR1 protein. Computational prediction suggests that this variant may not impact protein structure and function (internally defined REVEL score threshold <= 0.5, PMID: 27666373). To our knowledge, functional studies have not been reported for this variant. This variant has not been reported in individuals affected with RYR1-related disorders in the literature. This variant has been identified in 3/203334 chromosomes in the general population by the Genome Aggregation Database (gnomAD). The available evidence is insufficient to determine the role of this variant in disease conclusively. Therefore, this variant is classified as a Variant of Uncertain Significance.

This study involves interpretation of variants in research participants for the purpose of population health screening. Participant phenotype was not available at the time of variant classification. Additional details can be found in publication PMID: 35346344, PMCID: PMC8962531

GeneDx
Classification: Uncertain significance. Last evaluated: 2022-05-10. Review status: criteria provided, single submitter. Criteria: GeneDx Variant Classification Process June 2021. Collection method: clinical testing. Allele origin: germline. Affected: yes.
Comment: Not observed at significant frequency in large population cohorts (gnomAD); In silico analysis supports that this missense variant does not alter protein structure/function; Has not been previously published as pathogenic or benign to our knowledge

Blueprint Genetics
Classification: Uncertain significance. Last evaluated: 2021-06-09. Review status: criteria provided, single submitter. Criteria: ACMG Guidelines, 2015. Collection method: clinical testing. Allele origin: germline.

Illumina Laboratory Services, Illumina
Classification: Uncertain significance for Malignant hyperthermia, susceptibility to, 1. Last evaluated: 2018-01-13. Review status: criteria provided, single submitter. Criteria: ICSL Variant Classification Criteria 13 December 2019. Collection method: clinical testing. Allele origin: germline.

Illumina Laboratory Services, Illumina
Classification: Uncertain significance for Congenital multicore myopathy with external ophthalmoplegia. Last evaluated: 2018-01-13. Review status: criteria provided, single submitter. Criteria: ICSL Variant Classification Criteria 13 December 2019. Collection method: clinical testing. Allele origin: germline.

Illumina Laboratory Services, Illumina
Classification: Uncertain significance for Central core myopathy. Last evaluated: 2018-01-13. Review status: criteria provided, single submitter. Criteria: ICSL Variant Classification Criteria 13 December 2019. Collection method: clinical testing. Allele origin: germline.

PreventionGenetics, part of Exact Sciences
Classification: Uncertain significance. Last evaluated: 2016-08-19. Review status: criteria provided, single submitter. Criteria: ACMG Guidelines, 2015. Collection method: clinical testing. Allele origin: germline.